The following is an entry in ClinVar:

ClinVar aggregate classification (germline): Pathogenic. Review status: criteria provided, multiple submitters, no conflicts (2 of 4 stars). 3 submissions from 3 submitters: Pathogenic (3). Last evaluated 2025-09-10.

Conditions:
Nemaline myopathy 2 (NEM2). Also called: Nemaline myopathy 2, autosomal recessive. Identifiers: MedGen C1850569, MONDO:0009725, OMIM 256030.

Submissions (3):

Natera, Inc.
Classification: Pathogenic for Nemaline myopathy type 2. Last evaluated: 2025-09-10. Review status: criteria provided, single submitter. Criteria: Natera Variant Classification Schema (03/2026). Collection method: clinical testing. Allele origin: germline.
Comment: The c.13420C>T variant in NEB is a nonsense variant predicted to introduce a stop codon at amino acid 4474. This variant is expected to result in nonsense mediated decay, truncation, or a dysfunctional protein product. This variant is rare in the general population with a frequency below the threshold expected for the associated phenotype(s). This variant has been observed in one or more individuals affected with the associated recessive disease, as either homozygous or compound heterozygous with a second variant (PMID: 36714460). Given the available evidence, this variant is classified as Pathogenic.

Labcorp Genetics (formerly Invitae), Labcorp
Classification: Pathogenic for Nemaline myopathy 2. Last evaluated: 2025-08-18. Review status: criteria provided, single submitter. Criteria: Invitae Variant Classification Sherloc (09022015). Collection method: clinical testing. Allele origin: germline.
Comment: This variant occurs in a region of NEB (Exons 82-105) consisting of three highly homologous 8-exon repeat units (exons 82-89, exons 90-97, exons 98-105). Sequence variants in this region can be detected, but this assay cannot determine which of the three repeat units is affected, and zygosity is often ambiguous. All variants in this region are reported relative to the exon 82-89 repeat. This sequence change creates a premature translational stop signal (p.Arg4474*) in the NEB gene. It is expected to result in an absent or disrupted protein product. Loss-of-function variants in NEB are known to be pathogenic (PMID: 25205138). The frequency data for this variant in the population databases (gnomAD) is considered unreliable due to the presence of homologous sequence, such as pseudogenes or paralogs, in the genome. This premature translational stop signal has been observed in individual(s) with nemaline myopathy (PMID: 36714460). ClinVar contains an entry for this variant (Variation ID: 856764). For these reasons, this variant has been classified as Pathogenic.

MGZ Medical Genetics Center
Classification: Pathogenic for Nemaline myopathy 2. Last evaluated: 2021-11-22. Review status: criteria provided, single submitter. Criteria: ACMG Guidelines, 2015. Collection method: clinical testing. Allele origin: germline. Affected: yes. Observed: 1 variant allele.
Comment: ACMG criteria applied: PVS1, PM2_SUP, PM3_SUP

Literature cited by the submitters: PubMed 36714460 (cited by Natera, Inc. and Labcorp Genetics (formerly Invitae), Labcorp); PubMed 25205138 (cited by Labcorp Genetics (formerly Invitae), Labcorp).

NM_001164508.2(NEB):c.13420C>T (p.Arg4474Ter)

Gene: NEB (nebulin; minus strand). Cytogenetic location: 2q23.3.
Variant type: single nucleotide variant.
Coding change: c.13420C>T on transcript NM_001164508.2 (MANE Select); coding-DNA position 13420, C replaced by T.
Protein change: p.Arg4474Ter; replaces arginine 4474 with a stop codon.
Molecular consequence: nonsense. On other transcripts: intron variant (1).
Genome position (GRCh38, 1-based): chr2:151,601,957, G>A on the plus strand (C>T on the coding strand, the complement: NEB is on the minus strand). VCF-style: chr2-151601957-G-A. GRCh37 (hg19) VCF-style: chr2-152458471-G-A.
Other names: c.13420C>T, p.Arg4474Ter (NM_001164507.2, NM_001271208.2); c.11601+7852C>T (NM_004543.5); short protein forms R4474*.
Identifiers: ClinVar variation 856764 (VCV000856764.10), dbSNP rs1578869371, ClinGen allele CA348769392.